The following is an entry in ClinVar:

NM_002878.4(RAD51D):c.739-14T>C

Genes: RAD51D (RAD51 paralog D; minus strand), RAD51L3-RFFL (RAD51L3-RFFL readthrough; minus strand). Cytogenetic location: 17q12.
Variant type: single nucleotide variant.
Coding change: c.739-14T>C on transcript NM_002878.4 (MANE Select); 14 bases into the intron before coding-DNA position 739, T replaced by C.
Molecular consequence: intron variant.
Genome position (GRCh38, 1-based): chr17:35,101,379, A>G on the plus strand (T>C on the coding strand, the complement: RAD51D is on the minus strand). VCF-style: chr17-35101379-A-G. GRCh37 (hg19) VCF-style: chr17-33428398-A-G.
Other names: c.403-14T>C (NM_133629.3); c.799-14T>C (NM_001142571.2).
Identifiers: ClinVar variation 1531428 (VCV001531428.9), dbSNP rs2142412715, ClinGen allele CA2573153484.

ClinVar aggregate classification (germline): Likely benign. Review status: criteria provided, multiple submitters, no conflicts (2 of 4 stars). 2 submissions from 2 submitters: Likely benign (2). Last evaluated 2025-02-24.

Conditions:
Breast-ovarian cancer, familial, susceptibility to, 4. Identifiers: Orphanet 145, MedGen C3280345, MONDO:0013669, OMIM 614291.

Submissions (2):

Myriad Genetics, Inc.
Classification: Likely benign for Breast-ovarian cancer, familial, susceptibility to, 4. Last evaluated: 2025-02-24. Review status: criteria provided, single submitter. Criteria: Myriad Autosomal Dominant, Autosomal Recessive and X-Linked Classification Criteria (2023). Collection method: clinical testing. Allele origin: unknown.
Comment: This variant is considered likely benign. This variant is intronic and is not expected to impact mRNA splicing.

Labcorp Genetics (formerly Invitae), Labcorp
Classification: Likely benign for Breast-ovarian cancer, familial, susceptibility to, 4. Last evaluated: 2021-07-28. Review status: criteria provided, single submitter. Criteria: Invitae Variant Classification Sherloc (09022015). Collection method: clinical testing. Allele origin: germline.